The following is an entry in ClinVar:

ClinVar aggregate classification (germline): Uncertain significance (1 of 4 stars; one submission).

Conditions:
Progressive myoclonic epilepsy. Also called: Familial progressive myoclonic epilepsy; Progressive myoclonus epilepsy; Myoclonus epilepsy; Myoclonic Epilepsies, Progressive. Identifiers: Orphanet 308, Orphanet 98261, MedGen C0751778, MONDO:0020074.

Allele frequency attached by ClinVar (database versions not stated): ExAC 0.00001.
gnomAD v4.1: 2 of 1,614,146 alleles (0.00012%); highest among the groups gnomAD compares: East Asian, 0.0022%; no homozygotes.

Submission:

Labcorp Genetics (formerly Invitae), Labcorp
Classification: Uncertain significance for Progressive myoclonic epilepsy. Last evaluated: 2020-10-03. Review status: criteria provided, single submitter. Criteria: Invitae Variant Classification Sherloc (09022015). Collection method: clinical testing. Allele origin: germline.
Comment: This sequence change replaces methionine with arginine at codon 244 of the EPM2A protein (p.Met244Arg). The methionine residue is highly conserved and there is a moderate physicochemical difference between methionine and arginine. This variant is present in population databases (rs749563452, ExAC 0.01%). This variant has not been reported in the literature in individuals with EPM2A-related disease. In summary, the available evidence is currently insufficient to determine the role of this variant in disease. Therefore, it has been classified as a Variant of Uncertain Significance. Algorithms developed to predict the effect of missense changes on protein structure and function (SIFT, PolyPhen-2, Align-GVGD) all suggest that this variant is likely to be disruptive, but these predictions have not been confirmed by published functional studies and their clinical significance is uncertain.

NM_005670.4(EPM2A):c.731T>G (p.Met244Arg)

Gene: EPM2A (EPM2A glucan phosphatase, laforin; minus strand). Cytogenetic location: 6q24.3.
Variant type: single nucleotide variant.
Coding change: c.731T>G on transcript NM_005670.4 (MANE Select); coding-DNA position 731, T replaced by G.
Protein change: p.Met244Arg; replaces methionine 244 with arginine.
Molecular consequence: missense variant. On other transcripts: non-coding transcript variant (1).
Genome position (GRCh38, 1-based): chr6:145,627,681, A>C on the plus strand (T>G on the coding strand, the complement: EPM2A is on the minus strand). VCF-style: chr6-145627681-A-C. GRCh37 (hg19) VCF-style: chr6-145948817-A-C.
Other names: c.731T>G, p.Met244Arg (NM_001018041.2); c.489T>G, p.Asp163Glu (NM_001360057.2); c.317T>G, p.Met106Arg (NM_001360064.2, NM_001360071.2, NM_001368131.1); c.269T>G, p.Met90Arg (NM_001368129.2, NM_001368132.1); short protein forms M244R, D163E, M90R, M106R.
Identifiers: ClinVar variation 572868 (VCV000572868.8), dbSNP rs749563452, ClinGen allele CA4035094.
Genomic context (GRCh38, chr6:145,627,681, plus strand): 5'-ACGTACACGATGTGTCCCTTCTCCAGCAGCGCATGCAGCAGGCACACCGCCTGGGGCAGC[A>C]TCTGTACTCGGCCTGCGGTGGGGAAAGCACAGCACACATGTGAATAACTAAACCACCAGA-3'
Protein context (NP_005661.1, residues 234-254): PDMSTEGRVQ[Met244Arg]LPQAVCLLHA